The following is an entry in ClinVar:

NM_001377229.1(DISP1):c.3259G>C (p.Ala1087Pro)

Gene: DISP1 (dispatched RND transporter family member 1; plus strand). Cytogenetic location: 1q41.
Variant type: single nucleotide variant.
Coding change: c.3259G>C on transcript NM_001377229.1 (MANE Select); coding-DNA position 3259, G replaced by C.
Protein change: p.Ala1087Pro; replaces alanine 1087 with proline.
Molecular consequence: missense variant.
Genome position (GRCh38, 1-based): chr1:223,004,656, G>C. VCF-style: chr1-223004656-G-C. GRCh37 (hg19) VCF-style: chr1-223177998-G-C.
Other names: c.2530G>C, p.Ala844Pro (NM_001350630.2); c.3259G>C, p.Ala1087Pro (NM_001369594.1, NM_001377228.1, NM_032890.5); short protein forms A1087P, A844P.
Identifiers: ClinVar variation 3695099 (VCV003695099.2).

ClinVar aggregate classification (germline): Uncertain significance (1 of 4 stars; one submission).

Submission:

Labcorp Genetics (formerly Invitae), Labcorp
Classification: Uncertain significance. Last evaluated: 2025-11-04. Review status: criteria provided, single submitter. Criteria: Invitae Variant Classification Sherloc (09022015). Collection method: clinical testing. Allele origin: germline.
Comment: This sequence change replaces alanine, which is neutral and non-polar, with proline, which is neutral and non-polar, at codon 1087 of the DISP1 protein (p.Ala1087Pro). This variant is not present in population databases (gnomAD no frequency). This variant has not been reported in the literature in individuals affected with DISP1-related conditions. ClinVar contains an entry for this variant (Variation ID: 3695099). An algorithm developed to predict the effect of missense changes on protein structure and function (PolyPhen-2) suggests that this variant is likely to be disruptive. In summary, the available evidence is currently insufficient to determine the role of this variant in disease. Therefore, it has been classified as a Variant of Uncertain Significance.